The following is an entry in ClinVar:

NM_005963.4(MYH1):c.2961G>A (p.Ala987=)

Genes: MYH1 (myosin heavy chain 1; minus strand), MYHAS (myosin heavy chain gene cluster antisense RNA; plus strand). Cytogenetic location: 17p13.1.
Variant type: single nucleotide variant.
Coding change: c.2961G>A on transcript NM_005963.4 (MANE Select); coding-DNA position 2961, G replaced by A.
Protein change: p.Ala987=; no amino-acid change (alanine 987 retained).
Molecular consequence: synonymous variant.
Genome position (GRCh38, 1-based): chr17:10,502,888, C>T on the plus strand (G>A on the coding strand, the complement: MYH1 is on the minus strand). VCF-style: chr17-10502888-C-T. GRCh37 (hg19) VCF-style: chr17-10406205-C-T.
Identifiers: ClinVar variation 4983655 (VCV004983655.1).

ClinVar aggregate classification (germline): Likely benign (1 of 4 stars; one submission).

Conditions:
MYH1-related disorder. Also called: MYH1-related condition.

gnomAD v4.1: 277 of 1,613,750 alleles (0.017%); highest among the groups gnomAD compares: African/African-American, 0.096%; 2 homozygotes.

Submission:

PreventionGenetics, part of Exact Sciences
Classification: Likely benign for MYH1-related condition. Last evaluated: 2025-02-18. Review status: criteria provided, single submitter. Criteria: ACMG Guidelines, 2015. Collection method: clinical testing. Allele origin: germline.
Comment: This variant is classified as likely benign based on ACMG/AMP sequence variant interpretation guidelines (Richards et al. 2015 PMID: 25741868, with internal and published modifications).